The following is an entry in ClinVar:

NM_015450.3(POT1):c.739A>G (p.Lys247Glu)

Gene: POT1 (protection of telomeres 1; minus strand). Cytogenetic location: 7q31.33.
Variant type: single nucleotide variant.
Coding change: c.739A>G on transcript NM_015450.3 (MANE Select); coding-DNA position 739, A replaced by G.
Protein change: p.Lys247Glu; replaces lysine 247 with glutamic acid.
Molecular consequence: missense variant. On other transcripts: non-coding transcript variant (3).
Genome position (GRCh38, 1-based): chr7:124,853,102, T>C on the plus strand (A>G on the coding strand, the complement: POT1 is on the minus strand). VCF-style: chr7-124853102-T-C. GRCh37 (hg19) VCF-style: chr7-124493156-T-C.
Other names: c.739A>G (NM_015450.2); c.346A>G, p.Lys116Glu (NM_001042594.2); short protein forms K247E, K116E.
Identifiers: ClinVar variation 1041401 (VCV001041401.10), dbSNP rs1360260625, ClinGen allele CA369055669.

ClinVar aggregate classification (germline): Uncertain significance. Review status: criteria provided, multiple submitters, no conflicts (2 of 4 stars). 2 submissions from 2 submitters: Uncertain significance (2). Last evaluated 2025-11-04.

Conditions:
Tumor predisposition syndrome 3 (TPDS3). Also called: Melanoma, cutaneous malignant, susceptibility to, 10; Glioma susceptibility 9; LONG TELOMERE SYNDROME, POT1-RELATED; POT1 Tumor Predisposition. Identifiers: Orphanet 618, MedGen C4014476, MONDO:0014368, OMIM 615848.
Hereditary cancer-predisposing syndrome. Also called: Neoplastic Syndromes, Hereditary; Hereditary Cancer Syndrome; Hereditary neoplastic syndrome; Tumor predisposition. Identifiers: Orphanet 140162, MedGen C0027672, MeSH D009386, MONDO:0015356.

Allele frequency attached by ClinVar (database versions not stated): TOPMed below 0.00001; gnomAD 0.00001; gnomAD exomes 0.00001.
gnomAD v4.1: 8 of 1,605,834 alleles (0.0005%); highest among the groups gnomAD compares: Non-Finnish European, 0.00068%; no homozygotes.

Submissions (2):

Ambry Genetics
Classification: Uncertain significance for Hereditary cancer-predisposing syndrome. Last evaluated: 2025-11-04. Review status: criteria provided, single submitter. Criteria: Ambry Variant Classification Scheme 2023. Collection method: clinical testing. Allele origin: germline.
Comment: The p.K247E variant (also known as c.739A>G), located in coding exon 6 of the POT1 gene, results from an A to G substitution at nucleotide position 739. The lysine at codon 247 is replaced by glutamic acid, an amino acid with similar properties. This amino acid position is conserved. In addition, this alteration is predicted to be deleterious by in silico analysis. Based on the available evidence, the clinical significance of this variant remains unclear.

Labcorp Genetics (formerly Invitae), Labcorp
Classification: Uncertain significance for Tumor predisposition syndrome 3. Last evaluated: 2024-12-17. Review status: criteria provided, single submitter. Criteria: Invitae Variant Classification Sherloc (09022015). Collection method: clinical testing. Allele origin: germline.
Comment: This sequence change replaces lysine, which is basic and polar, with glutamic acid, which is acidic and polar, at codon 247 of the POT1 protein (p.Lys247Glu). This variant is not present in population databases (gnomAD no frequency). This variant has not been reported in the literature in individuals affected with POT1-related conditions. ClinVar contains an entry for this variant (Variation ID: 1041401). Invitae Evidence Modeling of protein sequence and biophysical properties (such as structural, functional, and spatial information, amino acid conservation, physicochemical variation, residue mobility, and thermodynamic stability) indicates that this missense variant is not expected to disrupt POT1 protein function with a negative predictive value of 80%. In summary, the available evidence is currently insufficient to determine the role of this variant in disease. Therefore, it has been classified as a Variant of Uncertain Significance.